The following is an entry in ClinVar:

ClinVar aggregate classification (germline): Likely benign (0 of 4 stars; one submission).

Conditions:
ACE-related disorder. Also called: ACE-related disorders; ACE-related condition.

Allele frequency attached by ClinVar (database versions not stated): ExAC 0.00001; gnomAD exomes 0.00001.
gnomAD v4.1: 12 of 1,610,550 alleles (0.00075%); highest among the groups gnomAD compares: South Asian, 0.0033%; no homozygotes.

Submission:

PreventionGenetics, part of Exact Sciences
Classification: Likely benign for ACE-related condition. Last evaluated: 2022-02-21. Review status: no assertion criteria provided. Collection method: clinical testing. Allele origin: germline.
Comment: This variant is classified as likely benign based on ACMG/AMP sequence variant interpretation guidelines (Richards et al. 2015 PMID: 25741868, with internal and published modifications).

NM_000789.4(ACE):c.1922-198G>A

Gene: ACE (angiotensin I converting enzyme; plus strand). Cytogenetic location: 17q23.3.
Variant type: single nucleotide variant.
Coding change: c.1922-198G>A on transcript NM_000789.4 (MANE Select); 198 bases into the intron before coding-DNA position 1922, G replaced by A.
Molecular consequence: intron variant. On other transcripts: synonymous variant (2), non-coding transcript variant (1).
Genome position (GRCh38, 1-based): chr17:63,485,038, G>A. VCF-style: chr17-63485038-G-A. GRCh37 (hg19) VCF-style: chr17-61562399-G-A.
Other names: c.171G>A, p.Thr57= (NM_001178057.2, NM_152830.3); c.1070-198G>A (NM_001382701.1); c.1355-198G>A (NM_001382700.1); c.-150+69G>A (NM_001382702.1).
Identifiers: ClinVar variation 3061671 (VCV003061671.2), dbSNP rs767512451, ClinGen allele CA8699793.
Genomic context (GRCh38, chr17:63,485,038, plus strand): 5'-CACCCATGGGACAAGCAGCCAGGCAACAACCAGCAGCCAGACAACCACCCACCAGGCGAC[G>A]GCCCACCAGACATCAGCCCAGAGCCCAAGTGGGACCATGCAGGGGAGGGGCAGGGTGCCA-3'